The following is an entry in ClinVar:

ClinVar aggregate classification (germline): Pathogenic/Likely pathogenic. Review status: criteria provided, multiple submitters, no conflicts (2 of 4 stars). 7 submissions from 7 submitters: Pathogenic (3); Likely pathogenic (3). 1 of the submissions does not count toward it. Last evaluated 2024-12-23.

Conditions:
Developmental and epileptic encephalopathy, 5 (DEE5). Identifiers: Orphanet 3451, MedGen C3150731, MONDO:0013277, OMIM 613477.
Early-infantile DEE. Also called: Early infantile epileptic encephalopathy; Early infantile epileptic encephalopathy with suppression bursts; Ohtahara syndrome. Identifiers: Orphanet 1934, MedGen C0393706, MONDO:0800491.
SPTAN1-related disorder. Also called: SPTAN1-related disorders; SPTAN1-related condition.

Submissions (7):

GeneDx
Classification: Pathogenic. Last evaluated: 2024-12-23. Review status: criteria provided, single submitter. Criteria: GeneDx Variant Classification Process June 2021. Collection method: clinical testing. Allele origin: germline. Affected: yes.
Comment: Not observed at significant frequency in large population cohorts (gnomAD); In silico analysis supports that this missense variant has a deleterious effect on protein structure/function; This variant is associated with the following publications: (PMID: 34440880, 29050398, 35982159, 33057194, 36331550)

Labcorp Genetics (formerly Invitae), Labcorp
Classification: Pathogenic for Early-infantile DEE. Last evaluated: 2022-08-16. Review status: criteria provided, single submitter. Criteria: Invitae Variant Classification Sherloc (09022015). Collection method: clinical testing. Allele origin: germline.
Comment: This sequence change replaces glutamic acid, which is acidic and polar, with lysine, which is basic and polar, at codon 2271 of the SPTAN1 protein (p.Glu2271Lys). For these reasons, this variant has been classified as Pathogenic. Algorithms developed to predict the effect of missense changes on protein structure and function are either unavailable or do not agree on the potential impact of this missense change (SIFT: "Deleterious"; PolyPhen-2: "Benign"; Align-GVGD: "Class C55"). ClinVar contains an entry for this variant (Variation ID: 986935). This missense change has been observed in individual(s) with clinical features of developmental and epileptic encephalopathy (PMID: 29050398; Invitae). In at least one individual the variant was observed to be de novo. This variant is not present in population databases (gnomAD no frequency).

Genome-Nilou Lab
Classification: Likely pathogenic for Developmental and epileptic encephalopathy, 5. Last evaluated: 2021-07-15. Review status: criteria provided, single submitter. Criteria: ACMG Guidelines, 2015. Collection method: clinical testing. Allele origin: germline. Affected: no.

Institute of Medical Genetics and Applied Genomics, University Hospital Tübingen
Classification: Pathogenic. Last evaluated: 2020-10-23. Review status: criteria provided, single submitter. Criteria: ACMG Guidelines, 2015. Collection method: clinical testing. Allele origin: germline. Inheritance: Autosomal dominant inheritance. Affected: yes.

Blueprint Genetics
Classification: Likely pathogenic for SPTAN1-related disorders. Last evaluated: 2020-02-13. Review status: criteria provided, single submitter. Criteria: ACMG Guidelines, 2015. Collection method: clinical testing. Allele origin: germline. Affected: yes. Observed: 1 variant allele.

Institute of Human Genetics, University of Leipzig Medical Center
Classification: Likely pathogenic for Developmental and epileptic encephalopathy, 5. Last evaluated: 2017-09-01. Review status: criteria provided, single submitter. Criteria: ACMG Guidelines, 2015. Collection method: research. Allele origin: de novo.

OMIM
Classification: Pathogenic for DEVELOPMENTAL AND EPILEPTIC ENCEPHALOPATHY 5. Last evaluated: 2023-10-18. Review status: no assertion criteria provided. Collection method: literature only. Allele origin: germline. Not counted in ClinVar's aggregate classification.

Literature cited by the submitters: PubMed 29050398 (cited by 3 submitters); PubMed 36331550 (cited by OMIM).

NM_001130438.3(SPTAN1):c.6811G>A (p.Glu2271Lys)

Gene: SPTAN1 (spectrin alpha, non-erythrocytic 1; plus strand). Cytogenetic location: 9q34.11.
Variant type: single nucleotide variant.
Coding change: c.6811G>A on transcript NM_001130438.3 (MANE Select); coding-DNA position 6811, G replaced by A.
Protein change: p.Glu2271Lys; replaces glutamic acid 2271 with lysine.
Molecular consequence: missense variant.
Genome position (GRCh38, 1-based): chr9:128,632,175, G>A. VCF-style: chr9-128632175-G-A. GRCh37 (hg19) VCF-style: chr9-131394454-G-A.
Other names: c.6736G>A, p.Glu2246Lys (NM_001195532.2); c.6874G>A, p.Glu2292Lys (NM_001363759.2); c.6751G>A, p.Glu2251Lys (NM_001363765.2, NM_001375314.2); c.6898G>A, p.Glu2300Lys (NM_001375310.1); c.6811G>A, p.Glu2271Lys (NM_001375311.2); c.6847G>A, p.Glu2283Lys (NM_001375312.2); c.6793G>A, p.Glu2265Lys (NM_001375313.1); c.6910G>A, p.Glu2304Lys (NM_001375318.1); and 2 more; short protein forms E2246K, E2251K, E2265K, E2266K, E2271K, E2283K, E2292K, E2300K.
Identifiers: ClinVar variation 986935 (VCV000986935.17), dbSNP rs1859859572, ClinGen allele CA375097568.